The following is an entry in ClinVar:

NM_006017.3(PROM1):c.673A>C (p.Lys225Gln)

Gene: PROM1 (prominin 1; minus strand). Cytogenetic location: 4p15.32.
Variant type: single nucleotide variant.
Coding change: c.673A>C on transcript NM_006017.3 (MANE Select); coding-DNA position 673, A replaced by C.
Protein change: p.Lys225Gln; replaces lysine 225 with glutamine.
Molecular consequence: missense variant.
Genome position (GRCh38, 1-based): chr4:16,024,316, T>G on the plus strand (A>C on the coding strand, the complement: PROM1 is on the minus strand). VCF-style: chr4-16024316-T-G. GRCh37 (hg19) VCF-style: chr4-16025939-T-G.
Other names: c.646A>C, p.Lys216Gln (NM_001145847.2, NM_001145848.2, NM_001145851.2 and 4 more transcripts); c.673A>C, p.Lys225Gln (NM_001145849.2, NM_001145850.2); short protein forms K216Q, K225Q.
Identifiers: ClinVar variation 1439107 (VCV001439107.6), dbSNP rs2149336811, ClinGen allele CA356423925.

ClinVar aggregate classification (germline): Uncertain significance (1 of 4 stars; one submission).

gnomAD v4.1: 1 of 1,613,724 alleles (0.000062%); highest among the groups gnomAD compares: Non-Finnish European, 0.000085%; no homozygotes.

Submission:

Labcorp Genetics (formerly Invitae), Labcorp
Classification: Uncertain significance. Last evaluated: 2024-11-11. Review status: criteria provided, single submitter. Criteria: Invitae Variant Classification Sherloc (09022015). Collection method: clinical testing. Allele origin: germline.
Comment: This sequence change replaces lysine, which is basic and polar, with glutamine, which is neutral and polar, at codon 225 of the PROM1 protein (p.Lys225Gln). This variant is not present in population databases (gnomAD no frequency). This variant has not been reported in the literature in individuals affected with PROM1-related conditions. ClinVar contains an entry for this variant (Variation ID: 1439107). Invitae Evidence Modeling of protein sequence and biophysical properties (such as structural, functional, and spatial information, amino acid conservation, physicochemical variation, residue mobility, and thermodynamic stability) indicates that this missense variant is not expected to disrupt PROM1 protein function with a negative predictive value of 80%. In summary, the available evidence is currently insufficient to determine the role of this variant in disease. Therefore, it has been classified as a Variant of Uncertain Significance.